The following continues an entry in ClinVar:

NM_006767.4(LZTR1):c.1396C>T (p.Arg466Trp)

Gene: LZTR1. ClinVar aggregate classification (germline): Conflicting classifications of pathogenicity. Pathogenic (3); Likely pathogenic (5); Uncertain significance (6).

Submissions 8 to 14 of 14:

New York Genome Center
Classification: Uncertain significance for Noonan syndrome 2. Last evaluated: 2024-08-30. Review status: criteria provided, single submitter. Criteria: NYGC Assertion Criteria 2020. Collection method: clinical testing. Allele origin: inherited. Affected: yes. Observed: 1 variant allele, 1 compound heterozygote.
Comment: The heterozygous c.1396C>T variant in LZTR1 is deposited in ClinVar by multiple submitters with conflicting interpretations of pathogenicity including Likely Pathogenic (2) and Pathogenic (2) (Variation ID: 280342) and has been reported in multiple individiuals with schwannomatosis [PMID:29384852; 30442762; 29409008] and as a maternally inherited VUS in a fetus with an increased nuchal translucency of 5.3mm [PMID: 31475041]. The c.1396C>T variant has 0.000061 allele frequency (98 alt alleles, 0 homozygotes) in the gnomAD v4.1.0 database. It is located in exon 13 of this 21-exon gene, and predicted to replace a highly conserved arginine amino acid with tryptophan at position 466 in the BTB domain of the encoded protein (UniProt ID: Q8N653). In silico predictions are in favor of a damaging effect for the p.(Arg466Trp) variant [REVEL=0.733]; however, there are no functional studies to support or refute these predictions.Another missense variant at the same codon, p.(Arg466Gln), is deposited in ClinVar as Likely Pathogenic (Variation ID: 101038) and has been reported in the compound heterozygous state in an individual with autosomal recessive Noonan syndrome [PMID: 31219622]. Based on available evidence the c.1396C>T,p.(Arg466Trp) variant identified in LZTR1 is classified as a Variant of Uncertain Significance.

Institute for Genomic Medicine (IGM) Clinical Laboratory, Nationwide Children's Hospital
Classification: Likely pathogenic for LZTR1-related schwannomatosis. Last evaluated: 2024-06-24. Review status: criteria provided, single submitter. Criteria: ACMG Guidelines, 2015. Collection method: clinical testing. Allele origin: germline.
Comment: This variant has been reported at an elevated frequency in affected individuals/in multiple affected individuals in the literature (ACMG/AMP: PS4_Moderate; PMIDs:29384852, 29409008, 30442762). This variant is absent from or present at an exceedingly low frequency in gnomAD, a large-scale control population database (ACMG/AMP: PM2). A different substitution at this amino acid position has been reported as pathogenic (ACMG/AMP: PM5).

Fulgent Genetics
Classification: Likely pathogenic for Noonan syndrome 2; LZTR1-related schwannomatosis; Noonan syndrome 10. Last evaluated: 2024-04-30. Review status: criteria provided, single submitter. Criteria: ACMG Guidelines, 2015. Collection method: clinical testing. Allele origin: germline.

Mayo Clinic Laboratories, Mayo Clinic
Classification: Uncertain significance. Last evaluated: 2024-03-04. Review status: criteria provided, single submitter. Criteria: ACMG Guidelines, 2015. Collection method: clinical testing. Allele origin: germline. Observed: 7 variant alleles.
Comment: PM2, PM5, PS4_moderate

Baylor Genetics
Classification: Uncertain significance for LZTR1-related schwannomatosis. Last evaluated: 2024-01-17. Review status: criteria provided, single submitter. Criteria: ACMG Guidelines, 2015. Collection method: clinical testing. Allele origin: unknown.

Ambry Genetics
Classification: Pathogenic for Cardiovascular phenotype; Hereditary cancer-predisposing syndrome. Last evaluated: 2023-12-28. Review status: criteria provided, single submitter. Criteria: Ambry Variant Classification Scheme 2023. Collection method: clinical testing. Allele origin: germline.
Comment: The p.R466W variant (also known as c.1396C>T), located in coding exon 13 of the LZTR1 gene, results from a C to T substitution at nucleotide position 1396. The arginine at codon 466 is replaced by tryptophan, an amino acid with dissimilar properties. This variant has been reported in multiple individuals with schwannomatosis (Jordan JT et al. Medicine (Baltimore), 2018 Feb;97:e9717; Louvrier C et al. Neuro Oncol, 2018 06;20:917-929; Steklov M et al. Science, 2018 12;362:1177-1182; Ambry internal data). Another alteration at the same codon, p.R466Q (c.1397G>A), has been detected in multiple individuals with schwannomatosis (Piotrowski A et al. Nat Genet, 2014 Feb;46:182-7; Steklov M et al. Science, 2018 12;362:1177-1182; Ambry internal data) and identified in an individual with Noonan syndrome who had another LZTR1 alteration in trans (Li X et al. Clin Genet, 2019 10;96:290-299). Based on internal structural analysis, R466W is moderately destabilizing to the local structure (van Geersdaele LK et al. Acta Crystallogr D Biol Crystallogr, 2013 Sep;69:1677-84). This amino acid position is highly conserved in available vertebrate species. In addition, this alteration is predicted to be deleterious by in silico analysis. Based on the supporting evidence, this variant is pathogenic for an increased risk of LZTR1-related schwannomatosis (SWN) and would be expected to cause autosomal recessive Noonan syndrome when present along with a second pathogenic variant on the other allele.

Eurofins-Biomnis
Classification: Likely pathogenic for LZTR1-related schwannomatosis. Last evaluated: 2022-12-01. Review status: criteria provided, single submitter. Criteria: Accession Criteria ClinVar Biomnis. Collection method: clinical testing. Allele origin: germline. Affected: yes. Observed: 1 heterozygote.

Literature cited by the submitters: PubMed 29384852 (cited by 4 submitters); PubMed 29409008 (cited by 4 submitters); PubMed 30442762 (cited by 4 submitters); PubMed 24362817 (cited by Labcorp Genetics (formerly Invitae), Labcorp); PubMed 31130284 (cited by Labcorp Genetics (formerly Invitae), Labcorp); PubMed 31219622 (cited by Labcorp Genetics (formerly Invitae), Labcorp and Women's Health and Genetics/Laboratory Corporation of America, LabCorp); PubMed 28191889 (cited by Women's Health and Genetics/Laboratory Corporation of America, LabCorp and Mayo Clinic Laboratories, Mayo Clinic); PubMed 31475041 (cited by Women's Health and Genetics/Laboratory Corporation of America, LabCorp and Mayo Clinic Laboratories, Mayo Clinic).